The following is an entry in ClinVar:

ClinVar aggregate classification (germline): Pathogenic/Likely pathogenic. Review status: criteria provided, multiple submitters, no conflicts (2 of 4 stars). 5 submissions from 5 submitters: Pathogenic (2); Likely pathogenic (3). Last evaluated 2025-12-18.

Conditions:
Infantile cerebral and cerebellar atrophy with postnatal progressive microcephaly (MSBA). Identifiers: Orphanet 402364, MedGen C3150921, MONDO:0013351, OMIM 613668.
Inborn genetic diseases. Identifiers: MedGen C0950123, MeSH D030342.
MED17-related disorders.

Allele frequency attached by ClinVar (database versions not stated): gnomAD 0.00001; TOPMed 0.00001; gnomAD exomes 0.00002.

Submissions (5):

Natera, Inc.
Classification: Likely pathogenic for Postnatal progressive microcephaly with seizures and brain atrophy. Last evaluated: 2025-12-18. Review status: criteria provided, single submitter. Criteria: Natera Variant Classification Schema (03/2026). Collection method: clinical testing. Allele origin: germline.
Comment: The c.1444C>T variant in MED17 is a nonsense variant predicted to introduce a stop codon at amino acid 482. This variant is expected to result in nonsense mediated decay, truncation, or a dysfunctional protein product. This variant is rare in the general population with a frequency below the threshold expected for the associated phenotype(s). Given the available evidence, this variant is classified as Likely Pathogenic.

Blueprint Genetics
Classification: Likely pathogenic for MED17-related disorders. Last evaluated: 2024-08-23. Review status: criteria provided, single submitter. Criteria: ACMG Guidelines, 2015. Collection method: clinical testing. Allele origin: germline. Affected: yes. Observed: 5 variant alleles.

Labcorp Genetics (formerly Invitae), Labcorp
Classification: Pathogenic. Last evaluated: 2024-07-17. Review status: criteria provided, single submitter. Criteria: Invitae Variant Classification Sherloc (09022015). Collection method: clinical testing. Allele origin: germline.
Comment: This sequence change creates a premature translational stop signal (p.Gln482*) in the MED17 gene. It is expected to result in an absent or disrupted protein product. Loss-of-function variants in MED17 are known to be pathogenic (PMID: 20950787, 26004231, 30345598). This variant is present in population databases (rs372622191, gnomAD 0.004%). This variant has not been reported in the literature in individuals affected with MED17-related conditions. ClinVar contains an entry for this variant (Variation ID: 849753). Algorithms developed to predict the effect of sequence changes on RNA splicing suggest that this variant may disrupt the consensus splice site. For these reasons, this variant has been classified as Pathogenic.

Fulgent Genetics
Classification: Likely pathogenic for Infantile cerebral and cerebellar atrophy with postnatal progressive microcephaly. Last evaluated: 2024-03-04. Review status: criteria provided, single submitter. Criteria: ACMG Guidelines, 2015. Collection method: clinical testing. Allele origin: germline.

Ambry Genetics
Classification: Pathogenic for Inborn genetic diseases. Last evaluated: 2023-06-13. Review status: criteria provided, single submitter. Criteria: Ambry Variant Classification Scheme 2023. Collection method: clinical testing. Allele origin: germline.
Comment: The c.1444C>T (p.Q482*) alteration, located in exon 9 (coding exon 9) of the MED17 gene, consists of a C to T substitution at nucleotide position 1444. This changes the amino acid from a glutamine (Q) to a stop codon at amino acid position 482. This alteration is expected to result in loss of function by premature protein truncation or nonsense-mediated mRNA decay. Based on data from gnomAD, the T allele has an overall frequency of 0.002% (4/250612) total alleles studied. The highest observed frequency was 0.004% (4/113236) of European (non-Finnish) alleles. Based on the available evidence, this alteration is classified as pathogenic.

Literature cited by the submitters: PubMed 20950787 (cited by Labcorp Genetics (formerly Invitae), Labcorp); PubMed 26004231 (cited by Labcorp Genetics (formerly Invitae), Labcorp); PubMed 30345598 (cited by Labcorp Genetics (formerly Invitae), Labcorp).

NM_004268.5(MED17):c.1444C>T (p.Gln482Ter)

Gene: MED17 (mediator complex subunit 17; plus strand). Cytogenetic location: 11q21.
Variant type: single nucleotide variant.
Coding change: c.1444C>T on transcript NM_004268.5 (MANE Select); coding-DNA position 1444, C replaced by T.
Protein change: p.Gln482Ter; replaces glutamine 482 with a stop codon.
Molecular consequence: nonsense.
Genome position (GRCh38, 1-based): chr11:93,801,950, C>T. VCF-style: chr11-93801950-C-T. GRCh37 (hg19) VCF-style: chr11-93535116-C-T.
Other names: short protein forms Q482*.
Identifiers: ClinVar variation 849753 (VCV000849753.12), dbSNP rs372622191, ClinGen allele CA6232617.